The following is an entry in ClinVar:

ClinVar aggregate classification (germline): Uncertain significance (1 of 4 stars; one submission).

Conditions:
Facioscapulohumeral muscular dystrophy 2 (FSHD2). Also called: FACIOSCAPULOHUMERAL MUSCULAR DYSTROPHY 2, DIGENIC; FSHD2, DIGENIC; MUSCULAR DYSTROPHY, FACIOSCAPULOHUMERAL, TYPE 1B. Identifiers: Orphanet 269, MedGen C1834671, MONDO:0008031, OMIM 158901.

Submission:

Labcorp Genetics (formerly Invitae), Labcorp
Classification: Uncertain significance for Facioscapulohumeral muscular dystrophy 2. Last evaluated: 2024-11-05. Review status: criteria provided, single submitter. Criteria: Invitae Variant Classification Sherloc (09022015). Collection method: clinical testing. Allele origin: germline.
Comment: This sequence change replaces proline, which is neutral and non-polar, with leucine, which is neutral and non-polar, at codon 881 of the SMCHD1 protein (p.Pro881Leu). The frequency data for this variant in the population databases is considered unreliable, as metrics indicate poor data quality at this position in the gnomAD database. This variant has not been reported in the literature in individuals affected with SMCHD1-related conditions. Invitae Evidence Modeling of protein sequence and biophysical properties (such as structural, functional, and spatial information, amino acid conservation, physicochemical variation, residue mobility, and thermodynamic stability) indicates that this missense variant is not expected to disrupt SMCHD1 protein function with a negative predictive value of 80%. In summary, the available evidence is currently insufficient to determine the role of this variant in disease. Therefore, it has been classified as a Variant of Uncertain Significance.

NM_015295.3(SMCHD1):c.2642C>T (p.Pro881Leu)

Gene: SMCHD1 (structural maintenance of chromosomes flexible hinge domain containing 1; plus strand). Cytogenetic location: 18p11.32.
Variant type: single nucleotide variant.
Coding change: c.2642C>T on transcript NM_015295.3 (MANE Select); coding-DNA position 2642, C replaced by T.
Protein change: p.Pro881Leu; replaces proline 881 with leucine.
Molecular consequence: missense variant.
Genome position (GRCh38, 1-based): chr18:2,724,937, C>T. VCF-style: chr18-2724937-C-T. GRCh37 (hg19) VCF-style: chr18-2724935-C-T.
Other names: short protein forms P881L.
Identifiers: ClinVar variation 3627536 (VCV003627536.2).